The following is an entry in ClinVar:

NM_000088.4(COL1A1):c.2605G>T (p.Gly869Cys)

Gene: COL1A1 (collagen type I alpha 1 chain; minus strand). Cytogenetic location: 17q21.33.
Variant type: single nucleotide variant.
Coding change: c.2605G>T on transcript NM_000088.4 (MANE Select); coding-DNA position 2605, G replaced by T.
Protein change: p.Gly869Cys; replaces glycine 869 with cysteine.
Molecular consequence: missense variant.
Genome position (GRCh38, 1-based): chr17:50,189,867, C>A on the plus strand (G>T on the coding strand, the complement: COL1A1 is on the minus strand). VCF-style: chr17-50189867-C-A. GRCh37 (hg19) VCF-style: chr17-48267228-C-A.
Other names: G691C; short protein forms G869C.
Identifiers: ClinVar variation 17292 (VCV000017292.3), dbSNP rs72653143, ClinGen allele CA257830.

ClinVar aggregate classification (germline): Pathogenic. Review status: criteria provided, single submitter (1 of 4 stars). 2 submissions from 2 submitters: Pathogenic (1). 1 of the submissions does not count toward it. Last evaluated 2022-11-25.

Conditions:
Osteogenesis imperfecta, perinatal lethal (OI2). Also called: Osteogenesis imperfecta type 2; Osteogenesis imperfecta, dominant perinatal lethal; VROLIK TYPE OF OSTEOGENESIS IMPERFECTA; OI, TYPE II; OSTEOGENESIS IMPERFECTA CONGENITA; OSTEOGENESIS IMPERFECTA, TYPE II. Identifiers: Orphanet 216804, MedGen C0268358, MONDO:0008147, OMIM 166210.

Submissions (2):

GeneDx
Classification: Pathogenic. Last evaluated: 2022-11-25. Review status: criteria provided, single submitter. Criteria: GeneDx Variant Classification Process June 2021. Collection method: clinical testing. Allele origin: germline. Affected: yes.
Comment: Occurs in the triple helical domain and replaces a glycine in a canonical Gly-X-Y repeat; missense substitution of a canonical glycine residue is expected to disrupt normal protein folding and function, and this is an established mechanism of disease (Jovanovic 2021); Not observed at significant frequency in large population cohorts (gnomAD); In silico analysis supports that this missense variant has a deleterious effect on protein structure/function; Also known as p.(G691C); This variant is associated with the following publications: (PMID: 35583673, 34617103, 1953667, 34007986)

OMIM
Classification: Pathogenic for OSTEOGENESIS IMPERFECTA, TYPE II. Last evaluated: 1988-08-25. Review status: no assertion criteria provided. Collection method: literature only. Allele origin: germline. Not counted in ClinVar's aggregate classification.

Literature cited by the submitters: PubMed 3403550 (cited by OMIM).